The following is an entry in ClinVar:

ClinVar aggregate classification (germline): Uncertain significance. Review status: criteria provided, multiple submitters, no conflicts (2 of 4 stars). 2 submissions from 2 submitters: Uncertain significance (2). Last evaluated 2026-04-05.

Conditions:
TTN-related disorder. Also called: TTN-related condition; TTN-related disease; TTN-related disorders.

gnomAD v4.1: 61 of 1,578,212 alleles (0.0039%); highest among the groups gnomAD compares: Non-Finnish European, 0.0051%; 1 homozygote.

Submissions (2):

PreventionGenetics, part of Exact Sciences
Classification: Uncertain significance for TTN-related condition. Last evaluated: 2026-04-05. Review status: criteria provided, single submitter. Criteria: ACMG Guidelines, 2015. Collection method: clinical testing. Allele origin: germline.
Comment: The TTN c.38450C>T variant is predicted to result in the amino acid substitution p.Ala12817Val. To our knowledge, this variant has not been reported in the literature. This variant is reported in 0.0065% of alleles in individuals of European (Non-Finnish) descent in gnomAD. At this time, the clinical significance of this variant is uncertain due to the absence of conclusive functional and genetic evidence.

Athena Diagnostics
Classification: Uncertain significance. Last evaluated: 2024-04-16. Review status: criteria provided, single submitter. Criteria: Athena Diagnostics Criteria. Collection method: clinical testing. Allele origin: unknown.
Comment: Available data are insufficient to determine the clinical significance of the variant at this time. The frequency of this variant in the general population is uninformative in assessment of its pathogenicity. This variant is in a coding region of the longest isoform of TTN, inferred model NM_001267550.1, however, it is in a non-coding region of the main skeletal and cardiac muscle isoforms of TTN.

NM_001267550.2(TTN):c.38450C>T (p.Ala12817Val)

Gene: TTN (titin; minus strand). Cytogenetic location: 2q31.2.
Variant type: single nucleotide variant.
Coding change: c.38450C>T on transcript NM_001267550.2 (MANE Select); coding-DNA position 38450, C replaced by T.
Protein change: p.Ala12817Val; replaces alanine 12817 with valine.
Molecular consequence: missense variant. On other transcripts: intron variant (5).
Genome position (GRCh38, 1-based): chr2:178,654,026, G>A on the plus strand (C>T on the coding strand, the complement: TTN is on the minus strand). VCF-style: chr2-178654026-G-A. GRCh37 (hg19) VCF-style: chr2-179518753-G-A.
Other names: c.13283-11709C>T (NM_003319.4); c.13859-11709C>T (NM_133437.4); c.13658-11709C>T (NM_133432.3); c.31742-1485C>T (NM_133378.4); c.34523-1485C>T (NM_001256850.1); short protein forms A12817V.
Identifiers: ClinVar variation 3571577 (VCV003571577.2).